The following is an entry in ClinVar:

ClinVar aggregate classification (germline): Uncertain significance (1 of 4 stars; one submission).

Conditions:
Intellectual developmental disorder, autosomal dominant 1. Also called: Intellectual disability, autosomal dominant 1; MBD5 Haploinsufficiency. Identifiers: Orphanet 228402, MedGen C1969562, MONDO:0007974, OMIM 156200.

Submission:

Labcorp Genetics (formerly Invitae), Labcorp
Classification: Uncertain significance for Intellectual developmental disorder, autosomal dominant 1. Last evaluated: 2017-08-27. Review status: criteria provided, single submitter. Criteria: Invitae Variant Classification Sherloc (09022015). Collection method: clinical testing. Allele origin: germline.
Comment: This sequence change replaces lysine with asparagine at codon 1331 of the MBD5 protein (p.Lys1331Asn). The lysine residue is highly conserved and there is a moderate physicochemical difference between lysine and asparagine. This variant is not present in population databases (ExAC no frequency). This variant has not been reported in the literature in individuals with MBD5-related disease. Algorithms developed to predict the effect of missense changes on protein structure and function (SIFT, PolyPhen-2, Align-GVGD) all suggest that this variant is likely to be disruptive, but these predictions have not been confirmed by published functional studies and their clinical significance is uncertain. In summary, the available evidence is currently insufficient to determine the role of this variant in disease. Therefore, it has been classified as a Variant of Uncertain Significance.

NM_001378120.1(MBD5):c.4692A>C (p.Lys1564Asn)

Gene: MBD5 (methyl-CpG binding domain protein 5; plus strand). Cytogenetic location: 2q23.1.
Variant type: single nucleotide variant.
Coding change: c.4692A>C on transcript NM_001378120.1 (MANE Select); coding-DNA position 4692, A replaced by C.
Protein change: p.Lys1564Asn; replaces lysine 1564 with asparagine.
Molecular consequence: missense variant.
Genome position (GRCh38, 1-based): chr2:148,490,324, A>C. VCF-style: chr2-148490324-A-C. GRCh37 (hg19) VCF-style: chr2-149247893-A-C.
Other names: c.3993A>C, p.Lys1331Asn (NM_018328.5); short protein forms K1331N, K1564N.
Identifiers: ClinVar variation 536674 (VCV000536674.9), dbSNP rs1553520621, ClinGen allele CA348730266.